The following is an entry in ClinVar:

NM_014639.4(SKIC3):c.223C>G (p.Leu75Val)

Gene: SKIC3 (SKI3 subunit of superkiller complex; minus strand). Cytogenetic location: 5q15.
Variant type: single nucleotide variant.
Coding change: c.223C>G on transcript NM_014639.4 (MANE Select); coding-DNA position 223, C replaced by G.
Protein change: p.Leu75Val; replaces leucine 75 with valine.
Molecular consequence: missense variant.
Genome position (GRCh38, 1-based): chr5:95,543,195, G>C on the plus strand (C>G on the coding strand, the complement: SKIC3 is on the minus strand). VCF-style: chr5-95543195-G-C. GRCh37 (hg19) VCF-style: chr5-94878899-G-C.
Other names: short protein forms L75V.
Identifiers: ClinVar variation 2095379 (VCV002095379.3), dbSNP rs765872352, ClinGen allele CA3347688.

ClinVar aggregate classification (germline): Uncertain significance. Review status: criteria provided, multiple submitters, no conflicts (2 of 4 stars). 2 submissions from 2 submitters: Uncertain significance (2). Last evaluated 2025-08-02.

Conditions:
Inborn genetic diseases. Identifiers: MedGen C0950123, MeSH D030342.

Allele frequency attached by ClinVar (database versions not stated): gnomAD exomes below 0.00001; ExAC 0.00001.
gnomAD v4.1: 2 of 1,613,906 alleles (0.00012%); highest among the groups gnomAD compares: Admixed American, 0.0033%; no homozygotes.

Submissions (2):

Ambry Genetics
Classification: Uncertain significance for Inborn genetic diseases. Last evaluated: 2025-08-02. Review status: criteria provided, single submitter. Criteria: Ambry Variant Classification Scheme 2023. Collection method: clinical testing. Allele origin: germline.

Labcorp Genetics (formerly Invitae), Labcorp
Classification: Uncertain significance. Last evaluated: 2025-02-10. Review status: criteria provided, single submitter. Criteria: Invitae Variant Classification Sherloc (09022015). Collection method: clinical testing. Allele origin: germline.
Comment: This sequence change replaces leucine, which is neutral and non-polar, with valine, which is neutral and non-polar, at codon 75 of the TTC37 protein (p.Leu75Val). This variant is present in population databases (rs765872352, gnomAD 0.006%). This variant has not been reported in the literature in individuals affected with TTC37-related conditions. ClinVar contains an entry for this variant (Variation ID: 2095379). An algorithm developed to predict the effect of missense changes on protein structure and function (PolyPhen-2) suggests that this variant is likely to be disruptive. In summary, the available evidence is currently insufficient to determine the role of this variant in disease. Therefore, it has been classified as a Variant of Uncertain Significance.